The following is an entry in ClinVar:

ClinVar aggregate classification (germline): Pathogenic (1 of 4 stars; one submission).

Conditions:
Inborn genetic diseases. Identifiers: MedGen C0950123, MeSH D030342.

Submission:

Ambry Genetics
Classification: Pathogenic for Inborn genetic diseases. Last evaluated: 2021-05-25. Review status: criteria provided, single submitter. Criteria: Ambry Variant Classification Scheme 2023. Collection method: clinical testing. Allele origin: germline.
Comment: The c.966delT (p.I322Mfs*6) alteration, located in exon 10 (coding exon 9) of the SERAC1 gene, consists of a deletion of one nucleotide at position 966, causing a translational frameshift with a predicted alternate stop codon after 6 amino acids. This alteration is expected to result in loss of function by premature protein truncation or nonsense-mediated mRNA decay. Based on data from the Genome Aggregation Database (gnomAD) database, the SERAC1 c.966delT alteration was observed in 0.0004% (1/251,350) of total alleles studied. Based on the available evidence, this alteration is classified as pathogenic.

NM_032861.4(SERAC1):c.966del (p.Ile322fs)

Gene: SERAC1 (serine active site containing 1; minus strand). Cytogenetic location: 6q25.3.
Variant type: Deletion.
Coding change: c.966del on transcript NM_032861.4 (MANE Select); coding-DNA position 966, one base deleted (T; older notation c.966delT).
Protein change: p.Ile322fs; shifts the reading frame from isoleucine 322.
Molecular consequence: frameshift variant. On other transcripts: non-coding transcript variant (1).
Genome position (GRCh38, 1-based): chr6:158,128,157, A deleted on the plus strand (T on the coding strand, the reverse complement: SERAC1 is on the minus strand); the first of 2 consecutive A bases (chr6:158,128,157-158,128,158); deleting either gives the same sequence. VCF-style (leftmost placement, unchanged base first): chr6-158128156-CA-C. GRCh37 (hg19) VCF-style: chr6-158549188-CA-C.
Other names: short protein forms I322fs.
Identifiers: ClinVar variation 2230760 (VCV002230760.2), dbSNP rs751547630, ClinGen allele CA4071228.